The following is an entry in ClinVar:

ClinVar aggregate classification (germline): Pathogenic (1 of 4 stars; one submission).

Conditions:
Pyridoxine-dependent epilepsy (EPEO4). Also called: PYRIDOXINE DEPENDENCY WITH SEIZURES; Pyridoxine-Dependent Seizures; Pyridoxine-Dependent Epilepsy - ALDH7A1; EPILEPSY, EARLY-ONSET, 4, VITAMIN B6-DEPENDENT. Identifiers: Orphanet 3006, MedGen C1849508, MONDO:0009945, OMIM 266100. Disease mechanism: loss of function.

Submission:

Labcorp Genetics (formerly Invitae), Labcorp
Classification: Pathogenic for Pyridoxine-dependent epilepsy. Last evaluated: 2024-01-29. Review status: criteria provided, single submitter. Criteria: Invitae Variant Classification Sherloc (09022015). Collection method: clinical testing. Allele origin: unknown.
Comment: This variant is a gross deletion of the genomic region encompassing exon(s) 10-13 of the ALDH7A1 gene. This deletion is out-of-frame, and is expected to create a premature termination codon and result in an absent or disrupted protein product. Loss-of-function variants in ALDH7A1 are known to be pathogenic (PMID: 16491085, 20554659). This variant has not been reported in the literature in individuals affected with ALDH7A1-related conditions. For these reasons, this variant has been classified as Pathogenic.

Literature cited by the submitters: PubMed 16491085; PubMed 20554659.

NC_000005.9:g.(?_125889959)_(125896836_?)del

Gene: ALDH7A1 (aldehyde dehydrogenase 7 family member A1; minus strand). Cytogenetic location: 5q23.2.
Variant type: Deletion.
Identifiers: ClinVar variation 3246340 (VCV003246340.1).